The following is an entry in ClinVar:

NM_000551.4(VHL):c.340+824G>A

Genes: VHL (von Hippel-Lindau tumor suppressor; plus strand), LOC107303340 (3p25 von Hippel-Lindau tumor suppressor, E3 ubiquitin protein ligase Alu-mediated recombination region; plus strand). Cytogenetic location: 3p25.3.
Variant type: single nucleotide variant.
Coding change: c.340+824G>A on transcript NM_000551.4 (MANE Select); 824 bases into the intron after coding-DNA position 340, G replaced by A.
Molecular consequence: intron variant. On other transcripts: 3 prime UTR variant (1).
Genome position (GRCh38, 1-based): chr3:10,143,011, G>A. VCF-style: chr3-10143011-G-A. GRCh37 (hg19) VCF-style: chr3-10184695-G-A.
Other names: c.*7G>A (NM_001354723.2); c.340+824G>A (NM_198156.3).
Identifiers: ClinVar variation 1013884 (VCV001013884.9), dbSNP rs1349420435, ClinGen allele CA1345067627.

ClinVar aggregate classification (germline): Uncertain significance (1 of 4 stars; one submission).

Conditions:
Chuvash polycythemia. Also called: POLYCYTHEMIA, VHL-DEPENDENT. Identifiers: Orphanet 238557, MedGen C1837915, MONDO:0009892, OMIM 263400.
Von Hippel-Lindau syndrome (VHLS). Also called: VHL syndrome; von Hippel–Lindau syndrome; Von Hippel-Lindau. Identifiers: Orphanet 892, MedGen C0019562, MONDO:0008667, OMIM 193300. Disease mechanism: loss of function.

Allele frequency attached by ClinVar (database versions not stated): TOPMed below 0.00001.

Submission:

Labcorp Genetics (formerly Invitae), Labcorp
Classification: Uncertain significance for Von Hippel-Lindau syndrome; Chuvash polycythemia. Last evaluated: 2025-05-12. Review status: criteria provided, single submitter. Criteria: Invitae Variant Classification Sherloc (09022015). Collection method: clinical testing. Allele origin: germline.
Comment: This sequence change falls in intron 1 of the VHL gene. It is not expected to change the encoded amino acid sequence of the VHL protein. However, this sequence change falls within a cryptic exon in the VHL gene, known as exon E1’, which is naturally expressed at low levels in several human tissues (PMID: 29891534). This variant is not present in population databases (gnomAD no frequency). This variant has not been reported in the literature in individuals affected with VHL-related conditions. ClinVar contains an entry for this variant (Variation ID: 1013884). Algorithms developed to predict the effect of sequence changes on RNA splicing suggest that this variant is not likely to affect RNA splicing. In summary, the available evidence is currently insufficient to determine the role of this variant in disease. Therefore, it has been classified as a Variant of Uncertain Significance.

Literature cited by the submitters: PubMed 29891534.